The following is an entry in ClinVar:

NM_000064.4(C3):c.4454T>C (p.Leu1485Pro)

Gene: C3 (complement C3; minus strand). Cytogenetic location: 19p13.3.
Variant type: single nucleotide variant.
Coding change: c.4454T>C on transcript NM_000064.4 (MANE Select); coding-DNA position 4454, T replaced by C.
Protein change: p.Leu1485Pro; replaces leucine 1485 with proline.
Molecular consequence: missense variant.
Genome position (GRCh38, 1-based): chr19:6,680,160, A>G on the plus strand (T>C on the coding strand, the complement: C3 is on the minus strand). VCF-style: chr19-6680160-A-G. GRCh37 (hg19) VCF-style: chr19-6680171-A-G.
Other names: short protein forms L1485P.
Identifiers: ClinVar variation 2759421 (VCV002759421.3), dbSNP rs2512227368, ClinGen allele CA403613118.

ClinVar aggregate classification (germline): Uncertain significance (1 of 4 stars; one submission).

Allele frequency attached by ClinVar (database versions not stated): gnomAD exomes below 0.00001.
gnomAD v4.1: 2 of 1,596,524 alleles (0.00013%); highest among the groups gnomAD compares: Non-Finnish European, 0.00017%; no homozygotes.

Submission:

Labcorp Genetics (formerly Invitae), Labcorp
Classification: Uncertain significance. Last evaluated: 2023-09-09. Review status: criteria provided, single submitter. Criteria: Invitae Variant Classification Sherloc (09022015). Collection method: clinical testing. Allele origin: germline.
Comment: This sequence change replaces leucine, which is neutral and non-polar, with proline, which is neutral and non-polar, at codon 1485 of the C3 protein (p.Leu1485Pro). In summary, the available evidence is currently insufficient to determine the role of this variant in disease. Therefore, it has been classified as a Variant of Uncertain Significance. This variant is not present in population databases (gnomAD no frequency). This variant has not been reported in the literature in individuals affected with C3-related conditions. An algorithm developed to predict the effect of missense changes on protein structure and function (PolyPhen-2) suggests that this variant is likely to be tolerated.